The following is an entry in ClinVar:

ClinVar aggregate classification (germline): Uncertain significance (1 of 4 stars; one submission).

Conditions:
Hyper-IgE recurrent infection syndrome 1, autosomal dominant. Also called: STAT3 Hyper IgE Syndrome; Hyper-IgE recurrent infection syndrome 1; JOB SYNDROME; Job's Syndrome; HYPER-IgE SYNDROME 1, AUTOSOMAL DOMINANT, WITH RECURRENT INFECTIONS. Identifiers: Orphanet 2314, MedGen C2936739, MONDO:0007818, OMIM 147060.
STAT3 gain of function. Identifiers: MedGen C4288261.

gnomAD v4.1: 4 of 1,614,122 alleles (0.00025%); highest among the groups gnomAD compares: Non-Finnish European, 0.00025%; no homozygotes.

Submission:

Labcorp Genetics (formerly Invitae), Labcorp
Classification: Uncertain significance for STAT3 gain of function; Hyper-IgE recurrent infection syndrome 1, autosomal dominant. Last evaluated: 2024-08-21. Review status: criteria provided, single submitter. Criteria: Invitae Variant Classification Sherloc (09022015). Collection method: clinical testing. Allele origin: germline.
Comment: This sequence change replaces arginine, which is basic and polar, with glycine, which is neutral and non-polar, at codon 215 of the STAT3 protein (p.Arg215Gly). This variant is present in population databases (rs753370239, gnomAD 0.0009%). This variant has not been reported in the literature in individuals affected with STAT3-related conditions. An algorithm developed to predict the effect of missense changes on protein structure and function (PolyPhen-2) suggests that this variant is likely to be tolerated. Algorithms developed to predict the effect of sequence changes on RNA splicing suggest that this variant may disrupt the consensus splice site. In summary, the available evidence is currently insufficient to determine the role of this variant in disease. Therefore, it has been classified as a Variant of Uncertain Significance.

NM_139276.3(STAT3):c.643A>G (p.Arg215Gly)

Gene: STAT3 (signal transducer and activator of transcription 3; minus strand). Cytogenetic location: 17q21.2.
Variant type: single nucleotide variant.
Coding change: c.643A>G on transcript NM_139276.3 (MANE Select); coding-DNA position 643, A replaced by G.
Protein change: p.Arg215Gly; replaces arginine 215 with glycine.
Molecular consequence: missense variant.
Genome position (GRCh38, 1-based): chr17:42,337,765, T>C on the plus strand (A>G on the coding strand, the complement: STAT3 is on the minus strand). VCF-style: chr17-42337765-T-C. GRCh37 (hg19) VCF-style: chr17-40489783-T-C.
Other names: c.643A>G, p.Arg215Gly (NM_001369519.1, NM_001369520.1, NM_001384984.1 and 15 more transcripts); c.565A>G, p.Arg189Gly (NM_001384985.1); c.547A>G, p.Arg183Gly (NM_001384989.1); short protein forms R183G, R189G, R215G.
Identifiers: ClinVar variation 3749478 (VCV003749478.2).